The following is an entry in ClinVar:

ClinVar aggregate classification (germline): Uncertain significance (1 of 4 stars; one submission).

Submission:

Labcorp Genetics (formerly Invitae), Labcorp
Classification: Uncertain significance. Last evaluated: 2025-07-18. Review status: criteria provided, single submitter. Criteria: Invitae Variant Classification Sherloc (09022015). Collection method: clinical testing. Allele origin: germline.
Comment: This sequence change replaces methionine, which is neutral and non-polar, with isoleucine, which is neutral and non-polar, at codon 1300 of the MACF1 protein (p.Met1300Ile). This variant is present in population databases (no rsID available, gnomAD 0.003%). This variant has not been reported in the literature in individuals affected with MACF1-related conditions. An algorithm developed to predict the effect of missense changes on protein structure and function (PolyPhen-2) suggests that this variant is likely to be tolerated. In summary, the available evidence is currently insufficient to determine the role of this variant in disease. Therefore, it has been classified as a Variant of Uncertain Significance.

NM_001394062.1(MACF1):c.3885G>T (p.Met1295Ile)

Gene: MACF1 (microtubule actin crosslinking factor 1; plus strand). Cytogenetic location: 1p34.3.
Variant type: single nucleotide variant.
Coding change: c.3885G>T on transcript NM_001394062.1 (MANE Select); coding-DNA position 3885, G replaced by T.
Protein change: p.Met1295Ile; replaces methionine 1295 with isoleucine.
Molecular consequence: missense variant.
Genome position (GRCh38, 1-based): chr1:39,318,555, G>T. VCF-style: chr1-39318555-G-T. GRCh37 (hg19) VCF-style: chr1-39784227-G-T.
Other names: c.3900G>T, p.Met1300Ile (NM_012090.5); short protein forms M1295I, M1300I.
Identifiers: ClinVar variation 4780843 (VCV004780843.1).